The following is an entry in ClinVar:

ClinVar aggregate classification (germline): Uncertain significance. Review status: criteria provided, multiple submitters, no conflicts (2 of 4 stars). 2 submissions from 2 submitters: Uncertain significance (2). Last evaluated 2024-08-21.

Conditions:
Hereditary cancer-predisposing syndrome. Also called: Neoplastic Syndromes, Hereditary; Tumor predisposition; Hereditary Cancer Syndrome; Hereditary neoplastic syndrome. Identifiers: Orphanet 140162, MedGen C0027672, MeSH D009386, MONDO:0015356.
Bloom syndrome (BLM). Also called: Bloom-Torre-Machacek syndrome. Identifiers: Orphanet 125, MedGen C0005859, MONDO:0008876, OMIM 210900.

Allele frequency attached by ClinVar (database versions not stated): TOPMed below 0.00001; gnomAD 0.00001; gnomAD exomes 0.00001.
gnomAD v4.1: 8 of 1,612,658 alleles (0.0005%); highest among the groups gnomAD compares: African/African-American, 0.0013%; no homozygotes.

Submissions (2):

Labcorp Genetics (formerly Invitae), Labcorp
Classification: Uncertain significance for Bloom syndrome. Last evaluated: 2024-08-21. Review status: criteria provided, single submitter. Criteria: Invitae Variant Classification Sherloc (09022015). Collection method: clinical testing. Allele origin: germline.
Comment: This sequence change replaces aspartic acid, which is acidic and polar, with asparagine, which is neutral and polar, at codon 1116 of the BLM protein (p.Asp1116Asn). This variant is not present in population databases (gnomAD no frequency). This variant has not been reported in the literature in individuals affected with BLM-related conditions. ClinVar contains an entry for this variant (Variation ID: 1730465). Invitae Evidence Modeling of protein sequence and biophysical properties (such as structural, functional, and spatial information, amino acid conservation, physicochemical variation, residue mobility, and thermodynamic stability) indicates that this missense variant is expected to disrupt BLM protein function with a positive predictive value of 80%. In summary, the available evidence is currently insufficient to determine the role of this variant in disease. Therefore, it has been classified as a Variant of Uncertain Significance.

Ambry Genetics
Classification: Uncertain significance for Hereditary cancer-predisposing syndrome. Last evaluated: 2024-05-11. Review status: criteria provided, single submitter. Criteria: Ambry Variant Classification Scheme 2023. Collection method: clinical testing. Allele origin: germline.
Comment: The p.D1116N variant (also known as c.3346G>A), located in coding exon 16 of the BLM gene, results from a G to A substitution at nucleotide position 3346. The aspartic acid at codon 1116 is replaced by asparagine, an amino acid with highly similar properties. This amino acid position is highly conserved in available vertebrate species. In addition, this alteration is predicted to be tolerated by in silico analysis. Since supporting evidence is limited at this time, the clinical significance of this alteration remains unclear.

NM_000057.4(BLM):c.3346G>A (p.Asp1116Asn)

Gene: BLM (BLM RecQ like helicase; plus strand). Cytogenetic location: 15q26.1.
Variant type: single nucleotide variant.
Coding change: c.3346G>A on transcript NM_000057.4 (MANE Select); coding-DNA position 3346, G replaced by A.
Protein change: p.Asp1116Asn; replaces aspartic acid 1116 with asparagine.
Molecular consequence: missense variant.
Genome position (GRCh38, 1-based): chr15:90,798,325, G>A. VCF-style: chr15-90798325-G-A. GRCh37 (hg19) VCF-style: chr15-91341555-G-A.
Other names: c.3346G>A, p.Asp1116Asn (NM_001287246.2, NM_001287247.2); c.2221G>A, p.Asp741Asn (NM_001287248.2); short protein forms D1116N, D741N.
Identifiers: ClinVar variation 1730465 (VCV001730465.8), dbSNP rs936749145, ClinGen allele CA274770483.
Genomic context (GRCh38, chr15:90,798,325, plus strand): 5'-GGAATGAGAAATATAAAACATGTAGGTCCTTCTGGAAGATTTACTATGAATATGCTGGTC[G>A]ACATTTTCTTGGGTAAGTCATCTGTTTTGAATGTTTGAGTTACTTCAATTGAAATTGAAC-3'
Protein context (NP_000048.1, residues 1106-1126): SGRFTMNMLV[Asp1116Asn]IFLGSKSAKI